The following is an entry in ClinVar:

ClinVar aggregate classification (germline): Conflicting classifications of pathogenicity. Review status: criteria provided, conflicting classifications (1 of 4 stars). 9 submissions from 9 submitters: Pathogenic (1); Likely pathogenic (3); Uncertain significance (2). 3 of the submissions do not count toward it. Last evaluated 2026-01-12.

Conditions:
BBS12-related disorder. Also called: BBS12-related condition.
Bardet-Biedl syndrome (BBS). Identifiers: Orphanet 110, MedGen C0752166, MONDO:0015229.
Bardet-Biedl syndrome 12 (BBS12). Identifiers: Orphanet 110, MedGen C1859570, MONDO:0014440, OMIM 615989.

Allele frequency attached by ClinVar (database versions not stated): ExAC 0.00001; gnomAD exomes 0.00001 and 0.00003; TOPMed 0.00002.
gnomAD v4.1: 39 of 1,614,212 alleles (0.0024%); highest among the groups gnomAD compares: South Asian, 0.0044%; no homozygotes.

Submissions (9):

Labcorp Genetics (formerly Invitae), Labcorp
Classification: Likely pathogenic for Bardet-Biedl syndrome. Last evaluated: 2026-01-12. Review status: criteria provided, single submitter. Criteria: Invitae Variant Classification Sherloc (09022015). Collection method: clinical testing. Allele origin: germline.
Comment: This sequence change replaces arginine, which is basic and polar, with histidine, which is basic and polar, at codon 525 of the BBS12 protein (p.Arg525His). This variant is present in population databases (rs776730549, gnomAD 0.003%). This missense change has been observed in individual(s) with BBS12-related disease (PMID: 20472660, 30614526). In at least one individual the data is consistent with being in trans (on the opposite chromosome) from a pathogenic variant. ClinVar contains an entry for this variant (Variation ID: 220303). Invitae Evidence Modeling of protein sequence and biophysical properties (such as structural, functional, and spatial information, amino acid conservation, physicochemical variation, residue mobility, and thermodynamic stability) indicates that this missense variant is expected to disrupt BBS12 protein function with a positive predictive value of 80%. In summary, the currently available evidence indicates that the variant is pathogenic, but additional data are needed to prove that conclusively. Therefore, this variant has been classified as Likely Pathogenic.

Natera, Inc.
Classification: Likely pathogenic for Bardet-Biedl syndrome type 12. Last evaluated: 2025-05-29. Review status: criteria provided, single submitter. Criteria: Natera Variant Classification Schema (03/2026). Collection method: clinical testing. Allele origin: germline.
Comment: The c.1574G>A variant in BBS12 is a missense variant predicted to cause substitution of arginine to histidine at amino acid 525. This variant is rare in the general population with a frequency below the threshold expected for the associated phenotype(s). This variant has been observed in one or more individuals affected with the associated recessive disease, as either homozygous or compound heterozygous with a second variant (PMID: 20472660, 30614526). Computational prediction algorithms indicate this variant is likely to affect gene or protein function. Given the available evidence, this variant is classified as Likely Pathogenic.

Blueprint Genetics
Classification: Pathogenic for BBS12-related disorders. Last evaluated: 2024-07-02. Review status: criteria provided, single submitter. Criteria: ACMG Guidelines, 2015. Collection method: clinical testing. Allele origin: germline. Affected: yes. Observed: 5 variant alleles.

Fulgent Genetics
Classification: Likely pathogenic for Bardet-Biedl syndrome 12. Last evaluated: 2024-06-06. Review status: criteria provided, single submitter. Criteria: ACMG Guidelines, 2015. Collection method: clinical testing. Allele origin: germline.

SIB Swiss Institute of Bioinformatics
Classification: Uncertain significance for Bardet-Biedl syndrome 12. Last evaluated: 2018-05-31. Review status: criteria provided, single submitter. Criteria: ACMG Guidelines, 2015. Collection method: curation. Allele origin: unknown.
Comment: This variant is interpreted as a Uncertain Significance - Insufficient Evidence, for Bardet-Biedl syndrome 12, in Autosomal Recessive manner. The following ACMG Tag(s) were applied: PM2 => Absent from controls (or at extremely low frequency if recessive) in Exome Sequencing Project, 1000 Genomes Project, or Exome Aggregation Consortium .

Genetic Services Laboratory, University of Chicago
Classification: Uncertain significance. Last evaluated: 2016-03-28. Review status: criteria provided, single submitter. Criteria: ACMG Guidelines, 2015. Collection method: clinical testing. Allele origin: germline. Affected: no.

PreventionGenetics, part of Exact Sciences
Classification: Likely pathogenic for BBS12-related condition. Last evaluated: 2024-03-11. Review status: no assertion criteria provided. Collection method: clinical testing. Allele origin: germline. Not counted in ClinVar's aggregate classification.
Comment: The BBS12 c.1574G>A variant is predicted to result in the amino acid substitution p.Arg525His. This variant along with a second variant in BBS12 has been reported in two patients with Bardet-Biedl / McKusick-Kaufman syndrome phenotype (Table S1, Billingsley et al. 2010. PubMed ID: 20472660; Table 1, Mary et al. 2019. PubMed ID: 30614526). This variant is reported in 0.0026% of alleles in individuals of European (Non-Finnish) descent in gnomAD. This variant is interpreted as likely pathogenic.

Laboratory of Medical Genetics (UMR_S 1112), INSERM/Strasbourg University
Classification: Pathogenic for Bardet-Biedl syndrome. Last evaluated: 2018-09-15. Review status: no assertion criteria provided. Collection method: provider interpretation. Allele origin: germline. Affected: yes. Study: French fetal BBS cohort. Not counted in ClinVar's aggregate classification.

Counsyl
Classification: Uncertain significance for Bardet-Biedl syndrome 12. Last evaluated: 2017-08-23. Review status: no assertion criteria provided. Collection method: clinical testing. Allele origin: unknown. Not counted in ClinVar's aggregate classification.

Literature cited by the submitters: PubMed 20472660 (cited by Labcorp Genetics (formerly Invitae), Labcorp and Natera, Inc.); PubMed 30614526 (cited by 3 submitters); PubMed 21344540 (cited by Counsyl).

NM_152618.3(BBS12):c.1574G>A (p.Arg525His)

Gene: BBS12 (Bardet-Biedl syndrome 12; plus strand). Cytogenetic location: 4q27.
Variant type: single nucleotide variant.
Coding change: c.1574G>A on transcript NM_152618.3 (MANE Select); coding-DNA position 1574, G replaced by A.
Protein change: p.Arg525His; replaces arginine 525 with histidine.
Molecular consequence: missense variant.
Genome position (GRCh38, 1-based): chr4:122,743,466, G>A. VCF-style: chr4-122743466-G-A. GRCh37 (hg19) VCF-style: chr4-123664621-G-A.
Other names: NM_001178007.1(BBS12):c.1574G>A(p.Arg525His); NM_152618.2(BBS12):c.1574G>A(p.Arg525His); c.1574G>A, p.Arg525His (NM_001178007.2); short protein forms R525H.
Identifiers: ClinVar variation 220303 (VCV000220303.21), dbSNP rs776730549, ClinGen allele CA348258.